The following is an entry in ClinVar:

ClinVar aggregate classification (germline): Conflicting classifications of pathogenicity. Review status: criteria provided, conflicting classifications (1 of 4 stars). 2 submissions from 2 submitters: Uncertain significance (1); Benign (1). Last evaluated 2025-12-24.

Conditions:
Inborn genetic diseases. Identifiers: MedGen C0950123, MeSH D030342.

gnomAD v4.1: 1 of 1,613,892 alleles (0.000062%); highest among the groups gnomAD compares: East Asian, 0.0022%; no homozygotes.

Submissions (2):

Ambry Genetics
Classification: Uncertain significance for Inborn genetic diseases. Last evaluated: 2025-12-24. Review status: criteria provided, single submitter. Criteria: Ambry Variant Classification Scheme 2023. Collection method: clinical testing. Allele origin: germline.
Comment: The c.976C>G (p.Q326E) alteration is located in exon 6 (coding exon 5) of the KAT6A gene. This alteration results from a C to G substitution at nucleotide position 976, causing the glutamine (Q) at amino acid position 326 to be replaced by a glutamic acid (E). Based on data from gnomAD, the G allele has an overall frequency of <0.001% (1/251396) total alleles studied. The highest observed frequency was 0.005% (1/18394) of East Asian alleles. Based on insufficient or conflicting evidence, the clinical significance of this alteration remains unclear.

Labcorp Genetics (formerly Invitae), Labcorp
Classification: Benign. Last evaluated: 2025-07-06. Review status: criteria provided, single submitter. Criteria: Invitae Variant Classification Sherloc (09022015). Collection method: clinical testing. Allele origin: germline.

NM_006766.5(KAT6A):c.976C>G (p.Gln326Glu)

Gene: KAT6A (lysine acetyltransferase 6A; minus strand). Cytogenetic location: 8p11.21.
Variant type: single nucleotide variant.
Coding change: c.976C>G on transcript NM_006766.5 (MANE Select); coding-DNA position 976, C replaced by G.
Protein change: p.Gln326Glu; replaces glutamine 326 with glutamic acid.
Molecular consequence: missense variant.
Genome position (GRCh38, 1-based): chr8:41,978,709, G>C on the plus strand (C>G on the coding strand, the complement: KAT6A is on the minus strand). VCF-style: chr8-41978709-G-C. GRCh37 (hg19) VCF-style: chr8-41836227-G-C.
Other names: c.976C>G (NM_006766.3); c.976C>G, p.Gln326Glu (NM_001305878.2); short protein forms Q326E.
Identifiers: ClinVar variation 4747369 (VCV004747369.2).